The following is an entry in ClinVar:

NM_000038.6(APC):c.1002G>T (p.Leu334Phe)

Gene: APC (APC regulator of Wnt signaling pathway; plus strand). Cytogenetic location: 5q22.2.
Variant type: single nucleotide variant.
Coding change: c.1002G>T on transcript NM_000038.6 (MANE Select); coding-DNA position 1002, G replaced by T.
Protein change: p.Leu334Phe; replaces leucine 334 with phenylalanine.
Molecular consequence: missense variant. On other transcripts: intron variant (4).
Genome position (GRCh38, 1-based): chr5:112,819,034, G>T. VCF-style: chr5-112819034-G-T. GRCh37 (hg19) VCF-style: chr5-112154731-G-T.
Other names: c.1002G>T, p.Leu334Phe (NM_001127510.3, NM_001354895.2, NM_001354896.2 and 4 more transcripts); c.948G>T, p.Leu316Phe (NM_001127511.3); c.1032G>T, p.Leu344Phe (NM_001354897.2, NM_001407446.1); c.927G>T, p.Leu309Phe (NM_001354898.2, NM_001407451.1); c.918G>T, p.Leu306Phe (NM_001354899.2, NM_001407452.1); c.825G>T, p.Leu275Phe (NM_001354900.2, NM_001354901.2, NM_001407453.1); c.153G>T, p.Leu51Phe (NM_001354906.2, NM_001407470.1); c.964-235G>T (NM_001354902.2); and 3 more; short protein forms L275F, L309F, L316F, L51F, L306F, L344F, L334F.
Identifiers: ClinVar variation 1773024 (VCV001773024.3), dbSNP rs928733098, ClinGen allele CA16023503.
Genomic context (GRCh38, chr5:112,819,034, plus strand): 5'-GGTGTATTCATTGTTGTCAATGCTTGGTACTCATGATAAGGATGATATGTCGCGAACTTT[G>T]CTAGCTATGTCTAGCTCCCAAGACAGCTGTATATCCATGCGACAGTCTGGATGTCTTCCT-3'
Protein context (NP_000029.2, residues 324-344): THDKDDMSRT[Leu334Phe]LAMSSSQDSC

ClinVar aggregate classification (germline): Uncertain significance (1 of 4 stars; one submission).

Conditions:
Hereditary cancer-predisposing syndrome. Also called: Hereditary Cancer Syndrome; Hereditary neoplastic syndrome; Neoplastic Syndromes, Hereditary; Tumor predisposition. Identifiers: Orphanet 140162, MedGen C0027672, MeSH D009386, MONDO:0015356.

Allele frequency attached by ClinVar (database versions not stated): TOPMed below 0.00001; gnomAD 0.00001.

Submission:

Ambry Genetics
Classification: Uncertain significance for Hereditary cancer-predisposing syndrome. Last evaluated: 2024-10-29. Review status: criteria provided, single submitter. Criteria: Ambry Variant Classification Scheme 2023. Collection method: clinical testing. Allele origin: germline.
Comment: The p.L334F variant (also known as c.1002G>T), located in coding exon 9 of the APC gene, results from a G to T substitution at nucleotide position 1002. The leucine at codon 334 is replaced by phenylalanine, an amino acid with highly similar properties. This amino acid position is highly conserved in available vertebrate species. In addition, in silico predictors for this gene do not accurately predict pathogenicity. Since supporting evidence is limited at this time, the clinical significance of this alteration remains unclear.